The following is an entry in ClinVar:

ClinVar aggregate classification (germline): Uncertain significance (1 of 4 stars; one submission).

Conditions:
Proline dehydrogenase deficiency (HYRPRO1). Also called: PROLINE OXIDASE DEFICIENCY; Hyperprolinemia type 1. Identifiers: Orphanet 419, MedGen C0268529, MONDO:0009400, OMIM 239500.

Allele frequency attached by ClinVar (database versions not stated): gnomAD exomes 0.00003; ExAC 0.00006; ESP Exome Variant Server 0.00008.

Submission:

Labcorp Genetics (formerly Invitae), Labcorp
Classification: Uncertain significance for Proline dehydrogenase deficiency. Last evaluated: 2025-09-02. Review status: criteria provided, single submitter. Criteria: Invitae Variant Classification Sherloc (09022015). Collection method: clinical testing. Allele origin: germline.
Comment: This sequence change replaces phenylalanine, which is neutral and non-polar, with tyrosine, which is neutral and polar, at codon 113 of the PRODH protein (p.Phe113Tyr). This variant is present in population databases (rs372030860, gnomAD 0.007%). This variant has not been reported in the literature in individuals affected with PRODH-related conditions. ClinVar contains an entry for this variant (Variation ID: 1425126). Invitae Evidence Modeling of protein sequence and biophysical properties (such as structural, functional, and spatial information, amino acid conservation, physicochemical variation, residue mobility, and thermodynamic stability) indicates that this missense variant is expected to disrupt PRODH protein function with a positive predictive value of 80%. In summary, the available evidence is currently insufficient to determine the role of this variant in disease. Therefore, it has been classified as a Variant of Uncertain Significance.

NM_016335.6(PRODH):c.338T>A (p.Phe113Tyr)

Gene: PRODH (proline dehydrogenase 1; minus strand). Cytogenetic location: 22q11.21.
Variant type: single nucleotide variant.
Coding change: c.338T>A on transcript NM_016335.6 (MANE Select); coding-DNA position 338, T replaced by A.
Protein change: p.Phe113Tyr; replaces phenylalanine 113 with tyrosine.
Molecular consequence: missense variant.
Genome position (GRCh38, 1-based): chr22:18,931,134, A>T on the plus strand (T>A on the coding strand, the complement: PRODH is on the minus strand). VCF-style: chr22-18931134-A-T. GRCh37 (hg19) VCF-style: chr22-18918647-A-T.
Other names: c.14T>A, p.Phe5Tyr (NM_001195226.2); short protein forms F113Y, F5Y.
Identifiers: ClinVar variation 1425126 (VCV001425126.4), dbSNP rs372030860, ClinGen allele CA10095462.